The following is an entry in ClinVar:

ClinVar aggregate classification (germline): Uncertain significance (1 of 4 stars; one submission).

Conditions:
Catecholaminergic polymorphic ventricular tachycardia 1. Also called: VENTRICULAR TACHYCARDIA, STRESS-INDUCED POLYMORPHIC 1; VENTRICULAR TACHYCARDIA, CATECHOLAMINERGIC POLYMORPHIC, 1, WITH OR WITHOUT ATRIAL DYSFUNCTION AND/OR DILATED CARDIOMYOPATHY; RYR2-Related Catecholaminergic Polymorphic Ventricular Tachycardia. Identifiers: Orphanet 3286, MedGen C1631597, MONDO:0011484, OMIM 604772.

Submission:

Labcorp Genetics (formerly Invitae), Labcorp
Classification: Uncertain significance for Catecholaminergic polymorphic ventricular tachycardia 1. Last evaluated: 2021-08-29. Review status: criteria provided, single submitter. Criteria: Invitae Variant Classification Sherloc (09022015). Collection method: clinical testing. Allele origin: germline.
Comment: This variant results in a copy number gain of the genomic region encompassing exon(s) 10 of the TRDN gene. While the exact position of this variant cannot be determined from the data, sub-genic copy number gains are generally in tandem (PMID: 25640679). This variant is predicted to be in-frame, and likely preserves the integrity of the reading frame. This variant has not been reported in the literature in individuals with TRDN-related conditions. Experimental studies and prediction algorithms are not available or were not evaluated, and the functional significance of this variant is currently unknown. In summary, the available evidence is currently insufficient to determine the role of this variant in disease. Therefore, it has been classified as a Variant of Uncertain Significance.

Literature cited by the submitters: PubMed 25640679.

NC_000006.11:g.(?_123786031)_(123786148_?)dup

Gene: TRDN (triadin; minus strand). Cytogenetic location: 6q22.31.
Variant type: Duplication.
Identifiers: ClinVar variation 1400774 (VCV001400774.42).